The following is an entry in ClinVar:

ClinVar aggregate classification (germline): Benign/Likely benign. Review status: criteria provided, multiple submitters, no conflicts (2 of 4 stars). 5 submissions from 5 submitters: Benign (2); Likely benign (1). 2 of the submissions do not count toward it. Last evaluated 2026-01-15.

Conditions:
BNC2-related disorder. Also called: BNC2-related condition.
Hypotension. Also called: low blood pressure; Hypotensive disorder. Identifiers: MedGen C0020649, MONDO:0005468, HP:0002615, MeSH D007022.

Allele frequency attached by ClinVar (database versions not stated): 1000 Genomes Project 30x 0.00156; 1000 Genomes Project 0.00160; TOPMed 0.00344; ESP Exome Variant Server 0.00400; gnomAD 0.00457 and 0.00467; ExAC 0.00458; gnomAD exomes 0.00462 and 0.00638.
gnomAD v4.1: 9,855 of 1,614,058 alleles (0.61%); highest among the groups gnomAD compares: Non-Finnish European, 0.72%; 41 homozygotes.

Submissions (5):

Labcorp Genetics (formerly Invitae), Labcorp
Classification: Benign. Last evaluated: 2026-01-15. Review status: criteria provided, single submitter. Criteria: Invitae Variant Classification Sherloc (09022015). Collection method: clinical testing. Allele origin: germline.

CeGaT Center for Human Genetics Tuebingen
Classification: Likely benign. Last evaluated: 2022-11-01. Review status: criteria provided, single submitter. Criteria: CeGaT Center For Human Genetics Tuebingen Variant Classification Criteria Version 2. Collection method: clinical testing. Allele origin: germline. Affected: yes. Observed: 2 variant alleles.
Comment: BNC2: BP4, BP7

Breakthrough Genomics
Classification: Benign. Review status: criteria provided, single submitter. Criteria: ACMG Guidelines, 2015. Collection method: not provided. Allele origin: germline. Inheritance: Autosomal dominant inheritance. Affected: yes.

PreventionGenetics, part of Exact Sciences
Classification: Benign for BNC2-related condition. Last evaluated: 2019-07-09. Review status: no assertion criteria provided. Collection method: clinical testing. Allele origin: germline. Not counted in ClinVar's aggregate classification.
Comment: This variant is classified as benign based on ACMG/AMP sequence variant interpretation guidelines (Richards et al. 2015 PMID: 25741868, with internal and published modifications).

Centre for molecular medicine, Karolinska Institutet
No classification provided. Condition: Hypotension. Review status: no classification provided. Collection method: not provided. Allele origin: not provided. Not counted in ClinVar's aggregate classification.
Comment: hold until published

NM_017637.6(BNC2):c.1947C>T (p.Thr649=)

Genes: BNC2 (basonuclin zinc finger protein 2; minus strand), LOC126860585 (MED14-independent group 3 enhancer GRCh37_chr9:16435259-16436458; plus strand). Cytogenetic location: 9p22.3.
Variant type: single nucleotide variant.
Coding change: c.1947C>T on transcript NM_017637.6 (MANE Select); coding-DNA position 1947, C replaced by T.
Protein change: p.Thr649=; no amino-acid change (threonine 649 retained).
Molecular consequence: synonymous variant.
Genome position (GRCh38, 1-based): chr9:16,436,247, G>A on the plus strand (C>T on the coding strand, the complement: BNC2 is on the minus strand). VCF-style: chr9-16436247-G-A. GRCh37 (hg19) VCF-style: chr9-16436245-G-A.
Other names: c.1821C>T, p.Thr607= (NM_001317939.2); c.1662C>T, p.Thr554= (NM_001317940.2).
Identifiers: ClinVar variation 120233 (VCV000120233.41), dbSNP rs62540608, ClinGen allele CA204324.